The following is an entry in ClinVar:

NM_001349253.2(SCN11A):c.2307G>A (p.Trp769Ter)

Gene: SCN11A (sodium voltage-gated channel alpha subunit 11; minus strand). Cytogenetic location: 3p22.2.
Variant type: single nucleotide variant.
Coding change: c.2307G>A on transcript NM_001349253.2 (MANE Select); coding-DNA position 2307, G replaced by A.
Protein change: p.Trp769Ter; replaces tryptophan 769 with a stop codon.
Molecular consequence: nonsense.
Genome position (GRCh38, 1-based): chr3:38,896,941, C>T on the plus strand (G>A on the coding strand, the complement: SCN11A is on the minus strand). VCF-style: chr3-38896941-C-T. GRCh37 (hg19) VCF-style: chr3-38938432-C-T.
Other names: c.2307G>A, p.Trp769Ter (NM_014139.3); short protein forms W769*.
Identifiers: ClinVar variation 574889 (VCV000574889.5), dbSNP rs1553637480, ClinGen allele CA352157683.

ClinVar aggregate classification (germline): Uncertain significance (1 of 4 stars; one submission).

Conditions:
Hereditary sensory and autonomic neuropathy type 7. Also called: HSAN VII; Neuropathy, hereditary sensory and autonomic, type VII. Identifiers: Orphanet 391397, MedGen C3809882, MONDO:0014244, OMIM 615548.
Familial episodic pain syndrome with predominantly lower limb involvement. Also called: Episodic pain syndrome, familial, 3. Identifiers: Orphanet 391384, Orphanet 391392, MedGen C3809899, MONDO:0014247, OMIM 615552.

Allele frequency attached by ClinVar (database versions not stated): TOPMed below 0.00001; gnomAD 0.00001.
gnomAD v4.1: 1 of 1,613,808 alleles (0.000062%); highest among the groups gnomAD compares: Non-Finnish European, 0.000085%; no homozygotes.

Submission:

Labcorp Genetics (formerly Invitae), Labcorp
Classification: Uncertain significance for Familial episodic pain syndrome with predominantly lower limb involvement; Hereditary sensory and autonomic neuropathy type 7. Last evaluated: 2018-06-09. Review status: criteria provided, single submitter. Criteria: Invitae Variant Classification Sherloc (09022015). Collection method: clinical testing. Allele origin: germline.
Comment: This sequence change creates a premature translational stop signal (p.Trp769*) in the SCN11A gene. It is expected to result in an absent or disrupted protein product. This variant is not present in population databases (ExAC no frequency). This variant has not been reported in the literature in individuals with SCN11A-related disease. The current clinical and genetic evidence is not sufficient to establish whether loss-of-function variants in SCN11A cause disease. In summary, the available evidence is currently insufficient to determine the role of this variant in disease. Therefore, it has been classified as a Variant of Uncertain Significance.